The following is an entry in ClinVar:

ClinVar aggregate classification (germline): Likely benign (1 of 4 stars; one submission).

Allele frequency attached by ClinVar (database versions not stated): ESP Exome Variant Server 0.00292; 1000 Genomes Project 0.00080; 1000 Genomes Project 30x 0.00109; TOPMed 0.00234; gnomAD 0.00280; ExAC 0.00326.
gnomAD v4.1: 5,063 of 1,614,112 alleles (0.31%); highest among the groups gnomAD compares: Non-Finnish European, 0.37%; 28 homozygotes.

Submission:

CeGaT Center for Human Genetics Tuebingen
Classification: Likely benign. Last evaluated: 2025-01-01. Review status: criteria provided, single submitter. Criteria: CeGaT Center For Human Genetics Tuebingen Variant Classification Criteria Version 2. Collection method: clinical testing. Allele origin: germline. Affected: yes. Observed: 2 variant alleles.
Comment: PCDHB16: BS2

NM_020957.4(PCDHB16):c.641C>T (p.Ala214Val)

Genes: PCDHB16 (protocadherin beta 16; plus strand), PCDHB@ (protocadherin beta cluster; plus strand). Cytogenetic location: 5q31.3.
Variant type: single nucleotide variant.
Coding change: c.641C>T on transcript NM_020957.4 (MANE Select); coding-DNA position 641, C replaced by T.
Protein change: p.Ala214Val; replaces alanine 214 with valine.
Molecular consequence: missense variant.
Genome position (GRCh38, 1-based): chr5:141,183,200, C>T. VCF-style: chr5-141183200-C-T. GRCh37 (hg19) VCF-style: chr5-140562775-C-T.
Other names: short protein forms A214V.
Identifiers: ClinVar variation 2655820 (VCV002655820.24), dbSNP rs139379718, ClinGen allele CA3460225.